The following is an entry in ClinVar:

ClinVar aggregate classification (germline): Uncertain significance. Review status: criteria provided, multiple submitters, no conflicts (2 of 4 stars). 2 submissions from 2 submitters: Uncertain significance (2). Last evaluated 2022-12-07.

Submissions (2):

Labcorp Genetics (formerly Invitae), Labcorp
Classification: Uncertain significance. Last evaluated: 2022-12-07. Review status: criteria provided, single submitter. Criteria: Invitae Variant Classification Sherloc (09022015). Collection method: clinical testing. Allele origin: germline.
Comment: In summary, the available evidence is currently insufficient to determine the role of this variant in disease. Therefore, it has been classified as a Variant of Uncertain Significance. ClinVar contains an entry for this variant (Variation ID: 636922). This variant has not been reported in the literature in individuals affected with IRF2BP2-related conditions. This variant is not present in population databases (gnomAD no frequency). This sequence change creates a premature translational stop signal (p.Glu375Glyfs*41) in the IRF2BP2 gene. While this is not anticipated to result in nonsense mediated decay, it is expected to disrupt the last 213 amino acid(s) of the IRF2BP2 protein.

Blueprint Genetics
Classification: Uncertain significance. Last evaluated: 2018-07-13. Review status: criteria provided, single submitter. Criteria: ACMG Guidelines, 2015. Collection method: clinical testing. Allele origin: germline.

NM_182972.3(IRF2BP2):c.1124_1125del (p.Glu375fs)

Gene: IRF2BP2 (interferon regulatory factor 2 binding protein 2; minus strand). Cytogenetic location: 1q42.3.
Variant type: Microsatellite.
Coding change: c.1124_1125del on transcript NM_182972.3 (MANE Select); coding-DNA positions 1124 to 1125, 2 bases deleted (AG; older notation c.1124_1125delAG).
Protein change: p.Glu375fs; shifts the reading frame from glutamic acid 375.
Molecular consequence: frameshift variant.
Genome position (GRCh38, 1-based): chr1:234,607,776-234,607,777, CT deleted on the plus strand (AG on the coding strand, the reverse complement: IRF2BP2 is on the minus strand); deleting any 2 consecutive bases within chr1:234,607,776-234,607,780 gives the same sequence; the c. name uses the placement nearest the transcript's 3' end. VCF-style (leftmost placement, unchanged base first): chr1-234607775-CCT-C. GRCh37 (hg19) VCF-style: chr1-234743521-CCT-C.
Other names: c.1076_1077del, p.Glu359fs (NM_001077397.1); c.1124_1125del (NM_182972.2); short protein forms E359fs, E375fs.
Identifiers: ClinVar variation 636922 (VCV000636922.5), dbSNP rs1571957135, ClinGen allele CA915942053.